The following is an entry in ClinVar:

NM_006648.4(WNK2):c.5687A>C (p.Glu1896Ala)

Gene: WNK2 (WNK lysine deficient protein kinase 2; plus strand). Cytogenetic location: 9q22.31.
Variant type: single nucleotide variant.
Coding change: c.5687A>C on transcript NM_006648.4 (MANE Select); coding-DNA position 5687, A replaced by C.
Protein change: p.Glu1896Ala; replaces glutamic acid 1896 with alanine.
Molecular consequence: missense variant.
Genome position (GRCh38, 1-based): chr9:93,293,152, A>C. VCF-style: chr9-93293152-A-C. GRCh37 (hg19) VCF-style: chr9-96055434-A-C.
Other names: c.5798A>C, p.Glu1933Ala (NM_001282394.3); short protein forms E1933A, E1896A.
Identifiers: ClinVar variation 5031915 (VCV005031915.1).

ClinVar aggregate classification (germline): Uncertain significance (1 of 4 stars; one submission).

Submission:

Ambry Genetics
Classification: Uncertain significance. Last evaluated: 2026-08-08. Review status: criteria provided, single submitter. Criteria: Ambry Variant Classification Scheme 2023. Collection method: clinical testing. Allele origin: germline.
Comment: The p.E1896A variant (also known as c.5687A>C), located in coding exon 22 of the WNK2 gene, results from an A to C substitution at nucleotide position 5687. The glutamic acid at codon 1896 is replaced by alanine, an amino acid with dissimilar properties. This amino acid position is conserved. In addition, this alteration is predicted to be deleterious by in silico analysis. Based on the available evidence, the clinical significance of this variant remains unclear.